The following is an entry in ClinVar:

ClinVar aggregate classification (germline): Uncertain significance (1 of 4 stars; one submission).

Conditions:
Cardiovascular phenotype. Identifiers: MedGen CN230736.

Submission:

Ambry Genetics
Classification: Uncertain significance for Cardiovascular phenotype. Last evaluated: 2024-10-22. Review status: criteria provided, single submitter. Criteria: Ambry Variant Classification Scheme 2023. Collection method: clinical testing. Allele origin: germline.
Comment: The p.V230M variant (also known as c.688G>A), located in coding exon 3 of the APOA5 gene, results from a G to A substitution at nucleotide position 688. The valine at codon 230 is replaced by methionine, an amino acid with highly similar properties. This amino acid position is conserved. In addition, this alteration is predicted to be tolerated by in silico analysis. Based on the available evidence, the clinical significance of this variant remains unclear.

NM_001371904.1(APOA5):c.688G>A (p.Val230Met)

Gene: APOA5 (apolipoprotein A5; minus strand). Cytogenetic location: 11q23.3.
Variant type: single nucleotide variant.
Coding change: c.688G>A on transcript NM_001371904.1 (MANE Select); coding-DNA position 688, G replaced by A.
Protein change: p.Val230Met; replaces valine 230 with methionine.
Molecular consequence: missense variant.
Genome position (GRCh38, 1-based): chr11:116,790,541, C>T on the plus strand (G>A on the coding strand, the complement: APOA5 is on the minus strand). VCF-style: chr11-116790541-C-T. GRCh37 (hg19) VCF-style: chr11-116661257-C-T.
Other names: c.688G>A, p.Val230Met (NM_001166598.2, NM_052968.5); short protein forms V230M.
Identifiers: ClinVar variation 3414403 (VCV003414403.1).